The following is an entry in ClinVar:

NM_002516.4(NOVA2):c.394C>T (p.Gln132Ter)

Gene: NOVA2 (NOVA alternative splicing regulator 2; minus strand). Cytogenetic location: 19q13.32.
Variant type: single nucleotide variant.
Coding change: c.394C>T on transcript NM_002516.4 (MANE Select); coding-DNA position 394, C replaced by T.
Protein change: p.Gln132Ter; replaces glutamine 132 with a stop codon.
Molecular consequence: nonsense.
Genome position (GRCh38, 1-based): chr19:45,953,782, G>A on the plus strand (C>T on the coding strand, the complement: NOVA2 is on the minus strand). VCF-style: chr19-45953782-G-A. GRCh37 (hg19) VCF-style: chr19-46457040-G-A.
Other names: short protein forms Q132*.
Identifiers: ClinVar variation 4121794 (VCV004121794.1).
Genomic context (GRCh38, chr19:45,953,782, plus strand): 5'-AATGTTTCTTTGTGAATGTCAACAGCTTTACAGCAACCCAGTCTCTGCCCCAGCTGACCT[G>A]CTTGGCTCTGTCGGGGTTCATCGTGGTTTGGGGTTGAAGGATGTTGACCACCTCAGGCTT-3'

ClinVar aggregate classification (germline): Uncertain significance (1 of 4 stars; one submission).

Conditions:
Inborn genetic diseases. Identifiers: MedGen C0950123, MeSH D030342.

Submission:

Ambry Genetics
Classification: Uncertain significance for Inborn genetic diseases. Last evaluated: 2025-08-05. Review status: criteria provided, single submitter. Criteria: Ambry Variant Classification Scheme 2023. Collection method: clinical testing. Allele origin: germline.
Comment: The c.394C>T (p.Q132*) alteration, located in exon 3 (coding exon 3) of the NOVA2 gene, consists of a C to T substitution at nucleotide position 394. This changes the amino acid from a glutamine (Q) to a stop codon at amino acid position 132. This alteration occurs at the 3' terminus of the NOVA2 gene and is not expected to trigger nonsense-mediated mRNA decay. This variant was not reported in population-based cohorts in the Genome Aggregation Database (gnomAD). Based on insufficient or conflicting evidence, the clinical significance of this alteration remains unclear.